The following is an entry in ClinVar:

NM_173812.5(DPY19L2):c.1364G>T (p.Arg455Leu)

Gene: DPY19L2 (dpy-19 like 2; minus strand). Cytogenetic location: 12q14.2.
Variant type: single nucleotide variant.
Coding change: c.1364G>T on transcript NM_173812.5 (MANE Select); coding-DNA position 1364, G replaced by T.
Protein change: p.Arg455Leu; replaces arginine 455 with leucine.
Molecular consequence: missense variant.
Genome position (GRCh38, 1-based): chr12:63,597,906, C>A on the plus strand (G>T on the coding strand, the complement: DPY19L2 is on the minus strand). VCF-style: chr12-63597906-C-A. GRCh37 (hg19) VCF-style: chr12-63991686-C-A.
Other names: short protein forms R455L.
Identifiers: ClinVar variation 3388024 (VCV003388024.14).
Genomic context (GRCh38, chr12:63,597,906, plus strand): 5'-TATATTAAAGTATCAAAATCTGTATACCTTAAGATTCTGGCTGCTATAAGATCACTCAGG[C>A]GAATCTGGGAGAAAATAAAGTAAAATGAATTAAAATTACACAAGTGATTATAGCCTATAG-3'
Protein context (NP_776173.3, residues 445-465): SKILGVSDHI[Arg455Leu]LSDLIAARIL

ClinVar aggregate classification (germline): Likely benign (1 of 4 stars; one submission).

gnomAD v4.1: 2,807 of 1,588,958 alleles (0.18%); highest among the groups gnomAD compares: South Asian, 0.77%; 22 homozygotes.

Submission:

CeGaT Center for Human Genetics Tuebingen
Classification: Likely benign. Last evaluated: 2024-10-01. Review status: criteria provided, single submitter. Criteria: CeGaT Center For Human Genetics Tuebingen Variant Classification Criteria Version 2. Collection method: clinical testing. Allele origin: germline. Affected: yes. Observed: 1 variant allele.
Comment: DPY19L2: BP4, BS2